The following is an entry in ClinVar:

ClinVar aggregate classification (germline): Conflicting classifications of pathogenicity. Review status: criteria provided, conflicting classifications (1 of 4 stars). 2 submissions from 2 submitters: Uncertain significance (1); Likely benign (1). Last evaluated 2021-10-04.

Conditions:
Inborn genetic diseases. Identifiers: MedGen C0950123, MeSH D030342.
Luscan-Lumish syndrome. Identifiers: Orphanet 597738, MedGen C4085873, MONDO:0014791, OMIM 616831.

Allele frequency attached by ClinVar (database versions not stated): gnomAD 0.00005 and 0.00006; TOPMed 0.00005; ExAC 0.00006; ESP Exome Variant Server 0.00008; gnomAD exomes 0.00010.
gnomAD v4.1: 213 of 1,613,644 alleles (0.013%); highest among the groups gnomAD compares: Non-Finnish European, 0.017%; no homozygotes.

Submissions (2):

Ambry Genetics
Classification: Likely benign for Inborn genetic diseases. Last evaluated: 2021-10-04. Review status: criteria provided, single submitter. Criteria: Ambry Variant Classification Scheme 2023. Collection method: clinical testing. Allele origin: germline.

Labcorp Genetics (formerly Invitae), Labcorp
Classification: Uncertain significance for Luscan-Lumish syndrome. Last evaluated: 2020-09-11. Review status: criteria provided, single submitter. Criteria: Invitae Variant Classification Sherloc (09022015). Collection method: clinical testing. Allele origin: germline.
Comment: In summary, the available evidence is currently insufficient to determine the role of this variant in disease. Therefore, it has been classified as a Variant of Uncertain Significance. Algorithms developed to predict the effect of missense changes on protein structure and function are either unavailable or do not agree on the potential impact of this missense change (SIFT: "Tolerated"; PolyPhen-2: "Probably Damaging"; Align-GVGD: "Class C0"). This variant has not been reported in the literature in individuals with SETD2-related conditions. This variant is present in population databases (rs146911485, ExAC 0.01%). This sequence change replaces proline with serine at codon 2057 of the SETD2 protein (p.Pro2057Ser). The proline residue is moderately conserved and there is a moderate physicochemical difference between proline and serine.

NM_014159.7(SETD2):c.6169C>T (p.Pro2057Ser)

Gene: SETD2 (SET domain containing 2, histone lysine methyltransferase; minus strand). Cytogenetic location: 3p21.31.
Variant type: single nucleotide variant.
Coding change: c.6169C>T on transcript NM_014159.7 (MANE Select); coding-DNA position 6169, C replaced by T.
Protein change: p.Pro2057Ser; replaces proline 2057 with serine.
Molecular consequence: missense variant. On other transcripts: non-coding transcript variant (1).
Genome position (GRCh38, 1-based): chr3:47,062,287, G>A on the plus strand (C>T on the coding strand, the complement: SETD2 is on the minus strand). VCF-style: chr3-47062287-G-A. GRCh37 (hg19) VCF-style: chr3-47103777-G-A.
Other names: c.6037C>T, p.Pro2013Ser (NM_001349370.3); c.6169C>T (NM_014159.6); short protein forms P2057S, P2013S.
Identifiers: ClinVar variation 1036677 (VCV001036677.7), dbSNP rs146911485, ClinGen allele CA2362754.